The following is an entry in ClinVar:

NM_004517.4(ILK):c.89+6C>T

Genes: ILK (integrin linked kinase; plus strand), LOC130005201 (ATAC-STARR-seq lymphoblastoid active region 4345; plus strand). Cytogenetic location: 11p15.4.
Variant type: single nucleotide variant.
Coding change: c.89+6C>T on transcript NM_004517.4 (MANE Select); 6 bases into the intron after coding-DNA position 89, C replaced by T.
Molecular consequence: intron variant.
Genome position (GRCh38, 1-based): chr11:6,604,366, C>T. VCF-style: chr11-6604366-C-T. GRCh37 (hg19) VCF-style: chr11-6625596-C-T.
Other names: c.89+6C>T (NM_001014795.3, NM_001278441.2, NM_001014794.3); c.-148+6C>T (NM_001278442.2).
Identifiers: ClinVar variation 1054607 (VCV001054607.9), dbSNP rs2134517158, ClinGen allele CA472758100.
Genomic context (GRCh38, chr11:6,604,366, plus strand): 5'-ACGCAGTCGCCGTTCGCCTGTGGCTGGACAACACGGAGAACGACCTCAACCAGGGGTGAG[C>T]TGAAACGGTTGGTGGATGAGAGGAAGGCTAGAGATCTCCTGGCTACGTGGAGTGGAGTGC-3'

ClinVar aggregate classification (germline): Uncertain significance (1 of 4 stars; one submission).

Conditions:
Primary familial hypertrophic cardiomyopathy (HCM). Identifiers: Orphanet 99739, MedGen C0949658, MeSH D024741, MONDO:0024573. Inheritance: Various modes of inheritance.

Submission:

Labcorp Genetics (formerly Invitae), Labcorp
Classification: Uncertain significance for Primary familial hypertrophic cardiomyopathy. Last evaluated: 2022-03-19. Review status: criteria provided, single submitter. Criteria: Invitae Variant Classification Sherloc (09022015). Collection method: clinical testing. Allele origin: germline.
Comment: ClinVar contains an entry for this variant (Variation ID: 1054607). Variants that disrupt the consensus splice site are a relatively common cause of aberrant splicing (PMID: 17576681, 9536098). Algorithms developed to predict the effect of sequence changes on RNA splicing suggest that this variant is not likely to affect RNA splicing. In summary, the available evidence is currently insufficient to determine the role of this variant in disease. Therefore, it has been classified as a Variant of Uncertain Significance. This variant has not been reported in the literature in individuals affected with ILK-related conditions. This variant is not present in population databases (gnomAD no frequency). This sequence change falls in intron 2 of the ILK gene. It does not directly change the encoded amino acid sequence of the ILK protein. It affects a nucleotide within the consensus splice site.

Literature cited by the submitters: PubMed 17576681; PubMed 9536098.